The following is an entry in ClinVar:

ClinVar aggregate classification (germline): Uncertain significance (1 of 4 stars; one submission).

Conditions:
Hereditary cancer-predisposing syndrome. Also called: Hereditary Cancer Syndrome; Hereditary neoplastic syndrome; Tumor predisposition; Neoplastic Syndromes, Hereditary. Identifiers: Orphanet 140162, MedGen C0027672, MeSH D009386, MONDO:0015356.

Allele frequency attached by ClinVar (database versions not stated): gnomAD exomes below 0.00001; ExAC 0.00001.
gnomAD v4.1: 4 of 1,613,894 alleles (0.00025%); highest among the groups gnomAD compares: South Asian, 0.0044%; no homozygotes.

Submission:

Ambry Genetics
Classification: Uncertain significance for Hereditary cancer-predisposing syndrome. Last evaluated: 2022-03-29. Review status: criteria provided, single submitter. Criteria: Ambry Variant Classification Scheme 2023. Collection method: clinical testing. Allele origin: germline.
Comment: The p.F80S variant (also known as c.239T>C), located in coding exon 3 of the XRCC2 gene, results from a T to C substitution at nucleotide position 239. The phenylalanine at codon 80 is replaced by serine, an amino acid with highly dissimilar properties. This amino acid position is conserved. In addition, the in silico prediction for this alteration is inconclusive. Since supporting evidence is limited at this time, the clinical significance of this alteration remains unclear.

NM_005431.2(XRCC2):c.239T>C (p.Phe80Ser)

Gene: XRCC2 (X-ray repair cross complementing 2; minus strand). Cytogenetic location: 7q36.1.
Variant type: single nucleotide variant.
Coding change: c.239T>C on transcript NM_005431.2 (MANE Select); coding-DNA position 239, T replaced by C.
Protein change: p.Phe80Ser; replaces phenylalanine 80 with serine.
Molecular consequence: missense variant.
Genome position (GRCh38, 1-based): chr7:152,649,246, A>G on the plus strand (T>C on the coding strand, the complement: XRCC2 is on the minus strand). VCF-style: chr7-152649246-A-G. GRCh37 (hg19) VCF-style: chr7-152346331-A-G.
Other names: short protein forms F80S.
Identifiers: ClinVar variation 1790692 (VCV001790692.2), dbSNP rs764652360, ClinGen allele CA4582367.